The following is an entry in ClinVar:

NM_004004.6(GJB2):c.120A>C (p.Ala40=)

Gene: GJB2 (gap junction protein beta 2; minus strand). Cytogenetic location: 13q12.11.
Variant type: single nucleotide variant.
Coding change: c.120A>C on transcript NM_004004.6 (MANE Select); coding-DNA position 120, A replaced by C.
Protein change: p.Ala40=; no amino-acid change (alanine 40 retained).
Molecular consequence: synonymous variant.
Genome position (GRCh38, 1-based): chr13:20,189,462, T>G on the plus strand (A>C on the coding strand, the complement: GJB2 is on the minus strand). VCF-style: chr13-20189462-T-G. GRCh37 (hg19) VCF-style: chr13-20763601-T-G.
Identifiers: ClinVar variation 195206 (VCV000195206.37), dbSNP rs561870637, ClinGen allele CA241523.

ClinVar aggregate classification (germline): Conflicting classifications of pathogenicity. Review status: criteria provided, conflicting classifications (1 of 4 stars). 11 submissions from 9 submitters: Uncertain significance (1); Likely benign (9). 1 of the submissions does not count toward it. Last evaluated 2026-01-21.

Conditions:
Ichthyosis, hystrix-like, with hearing loss. Also called: Hystrix-like ichthyosis with deafness. Identifiers: Orphanet 477, MedGen C1865234, MONDO:0011245.
Autosomal recessive nonsyndromic hearing loss 1A (DFNB1A). Also called: GJB2-Related Autosomal Recessive Nonsyndromic Hearing Loss; GJB6-Related DFNB 1 Nonsyndromic Hearing Loss and Deafness; Connexin 26 deafness; Deafness nonsyndromic, Connexin 26 linked; Nonsyndromic Hearing Loss and Deafness, DFNB1; Deafness, autosomal recessive 1A. Identifiers: Orphanet 90636, MedGen C2673759, MONDO:0009076, OMIM 220290.
Autosomal dominant nonsyndromic hearing loss 3A. Identifiers: Orphanet 90635, MedGen C2675750, MONDO:0011103, OMIM 601544.

Allele frequency attached by ClinVar (database versions not stated): TOPMed 0.00014; gnomAD 0.00015 and 0.00012; gnomAD exomes 0.00016 and 0.00017; 1000 Genomes Project 0.00060; ExAC 0.00016; 1000 Genomes Project 30x 0.00047.
gnomAD v4.1: 253 of 1,613,546 alleles (0.016%); highest among the groups gnomAD compares: Non-Finnish European, 0.02%; no homozygotes.

Submissions (11):

Labcorp Genetics (formerly Invitae), Labcorp
Classification: Likely benign. Last evaluated: 2026-01-21. Review status: criteria provided, single submitter. Criteria: Invitae Variant Classification Sherloc (09022015). Collection method: clinical testing. Allele origin: germline.

CeGaT Center for Human Genetics Tuebingen
Classification: Likely benign. Last evaluated: 2025-12-01. Review status: criteria provided, single submitter. Criteria: CeGaT Center For Human Genetics Tuebingen Variant Classification Criteria Version 2. Collection method: clinical testing. Allele origin: germline. Affected: yes. Observed: 1 variant allele.
Comment: GJB2: BP4, BP7

Laboratory of Genetics, Children's Clinical University Hospital Latvia
Classification: Likely benign. Last evaluated: 2025-02-16. Review status: criteria provided, single submitter. Criteria: ACMG Guidelines, 2015. Collection method: clinical testing. Allele origin: germline. Affected: yes.

Blueprint Genetics
Classification: Likely benign. Last evaluated: 2024-11-26. Review status: criteria provided, single submitter. Criteria: ACMG Guidelines, 2015. Collection method: clinical testing. Allele origin: germline.

Women's Health and Genetics/Laboratory Corporation of America, LabCorp
Classification: Likely benign. Last evaluated: 2019-08-28. Review status: criteria provided, single submitter. Criteria: LabCorp Variant Classification Summary - May 2015. Collection method: clinical testing. Allele origin: germline.

ARUP Laboratories, Molecular Genetics and Genomics, ARUP Laboratories
Classification: Likely benign. Last evaluated: 2018-12-24. Review status: criteria provided, single submitter. Criteria: ARUP Molecular Germline Variant Investigation Process. Collection method: clinical testing. Allele origin: germline.

Illumina Laboratory Services, Illumina
Classification: Likely benign for Autosomal dominant keratitis-ichthyosis-hearing loss syndrome. Last evaluated: 2017-04-27. Review status: criteria provided, single submitter. Criteria: ICSL Variant Classification Criteria 13 December 2019. Collection method: clinical testing. Allele origin: germline.
Comment: This variant was observed as part of a predisposition screen in an ostensibly healthy population. A literature search was performed for the gene, cDNA change, and amino acid change (where applicable). No publications were found based on this search. Allele frequency data from public databases allowed determination this variant is unlikely to cause disease. Therefore, this variant is classified as likely benign.

Illumina Laboratory Services, Illumina
Classification: Likely benign for Autosomal dominant nonsyndromic hearing loss 3A. Last evaluated: 2017-04-27. Review status: criteria provided, single submitter. Criteria: ICSL Variant Classification Criteria 13 December 2019. Collection method: clinical testing. Allele origin: germline.
Comment: This variant was observed as part of a predisposition screen in an ostensibly healthy population. A literature search was performed for the gene, cDNA change, and amino acid change (where applicable). Publications were found based on this search. The evidence from the literature, in combination with allele frequency data from public databases where available, was sufficient to determine this variant is unlikely to cause disease. Therefore, this variant is classified as likely benign.

Illumina Laboratory Services, Illumina
Classification: Likely benign for Autosomal recessive nonsyndromic hearing loss 1A. Last evaluated: 2017-04-27. Review status: criteria provided, single submitter. Criteria: ICSL Variant Classification Criteria 13 December 2019. Collection method: clinical testing. Allele origin: germline.
Comment: the same text as in the submission from Illumina Laboratory Services, Illumina above.

Eurofins Ntd Llc (ga)
Classification: Uncertain significance. Last evaluated: 2014-10-10. Review status: criteria provided, single submitter. Criteria: EGL Classification Definitions 2015. Collection method: clinical testing. Allele origin: germline.

Natera, Inc.
Classification: Likely benign for Autosomal recessive deafness type 1A. Last evaluated: 2020-02-22. Review status: no assertion criteria provided. Collection method: clinical testing. Allele origin: germline. Not counted in ClinVar's aggregate classification.

Literature cited by the submitters: PubMed 20650534 (cited by Illumina Laboratory Services, Illumina); PubMed 19125024 (cited by Illumina Laboratory Services, Illumina).